The following is an entry in ClinVar:

NM_005612.5(REST):c.101A>G (p.His34Arg)

Gene: REST (RE1 silencing transcription factor; plus strand). Cytogenetic location: 4q12.
Variant type: single nucleotide variant.
Coding change: c.101A>G on transcript NM_005612.5 (MANE Select); coding-DNA position 101, A replaced by G.
Protein change: p.His34Arg; replaces histidine 34 with arginine.
Molecular consequence: missense variant.
Genome position (GRCh38, 1-based): chr4:56,910,739, A>G. VCF-style: chr4-56910739-A-G. GRCh37 (hg19) VCF-style: chr4-57776905-A-G.
Other names: c.101A>G, p.His34Arg (NM_001193508.2, NM_001363453.3); short protein forms H34R.
Identifiers: ClinVar variation 2897062 (VCV002897062.3), dbSNP rs1719854967, ClinGen allele CA357002691.

ClinVar aggregate classification (germline): Uncertain significance (1 of 4 stars; one submission).

Allele frequency attached by ClinVar (database versions not stated): gnomAD exomes below 0.00001; TOPMed below 0.00001.

Submission:

Labcorp Genetics (formerly Invitae), Labcorp
Classification: Uncertain significance. Last evaluated: 2024-01-07. Review status: criteria provided, single submitter. Criteria: Invitae Variant Classification Sherloc (09022015). Collection method: clinical testing. Allele origin: germline.
Comment: This sequence change replaces histidine, which is basic and polar, with arginine, which is basic and polar, at codon 34 of the REST protein (p.His34Arg). This variant is not present in population databases (gnomAD no frequency). This variant has not been reported in the literature in individuals affected with REST-related conditions. An algorithm developed to predict the effect of missense changes on protein structure and function (PolyPhen-2) suggests that this variant is likely to be disruptive. In summary, the available evidence is currently insufficient to determine the role of this variant in disease. Therefore, it has been classified as a Variant of Uncertain Significance.